The following is an entry in ClinVar:

NM_001378615.1(CC2D2A):c.2417del (p.Ala806fs)

Genes: CC2D2A (coiled-coil and C2 domain containing 2A; plus strand), FBXL5 (F-box and leucine rich repeat protein 5; minus strand). Cytogenetic location: 4p15.32.
Variant type: Deletion.
Coding change: c.2417del on transcript NM_001378615.1 (MANE Select); coding-DNA position 2417, one base deleted (C; older notation c.2417delC).
Protein change: p.Ala806fs; shifts the reading frame from alanine 806.
Molecular consequence: frameshift variant.
Genome position (GRCh38, 1-based): chr4:15,553,236, C deleted. VCF-style (leftmost placement, unchanged base first): chr4-15553235-GC-G. GRCh37 (hg19) VCF-style: chr4-15554858-GC-G.
Other names: c.2417del, p.Ala806fs (NM_001080522.2); c.2270del, p.Ala757fs (NM_001378617.1); short protein forms A806fs, A757fs.
Identifiers: ClinVar variation 2940274 (VCV002940274.4), dbSNP rs2475026265, ClinGen allele CA2740091238.

ClinVar aggregate classification (germline): Pathogenic. Review status: criteria provided, multiple submitters, no conflicts (2 of 4 stars). 2 submissions from 2 submitters: Pathogenic (2). Last evaluated 2024-09-13.

Conditions:
Joubert syndrome and related disorders. Identifiers: Orphanet 140874, MedGen C5679612, MONDO:0015369.
Joubert syndrome. Also called: JOUBERT-BOLTSHAUSER SYNDROME; Familial aplasia of the vermis. Identifiers: Orphanet 475, MedGen C5979921, MONDO:0018772.
Meckel-Gruber syndrome. Also called: DYSENCEPHALIA SPLANCHNOCYSTICA; GRUBER SYNDROME; Dysencephalia splachnocystica. Identifiers: Orphanet 564, MedGen C0265215, MONDO:0018921.

Submissions (2):

Myriad Genetics, Inc.
Classification: Pathogenic for Joubert syndrome and related disorders. Last evaluated: 2024-09-13. Review status: criteria provided, single submitter. Criteria: Myriad Autosomal Dominant, Autosomal Recessive and X-Linked Classification Criteria (2023). Collection method: clinical testing. Allele origin: unknown.
Comment: NM_001080522.2(CC2D2A):c.2417delC(A806Dfs*11) is expected to be pathogenic in the context of CC2D2A-related disorders. This variant is predicted to lead to an abnormal or absent protein product due to the creation of a premature termination codon in CC2D2A, a gene where loss-of-function variants are known to be pathogenic. Please note: this variant was assessed in the context of healthy population screening.

Labcorp Genetics (formerly Invitae), Labcorp
Classification: Pathogenic for Joubert syndrome; Meckel-Gruber syndrome. Last evaluated: 2023-11-24. Review status: criteria provided, single submitter. Criteria: Invitae Variant Classification Sherloc (09022015). Collection method: clinical testing. Allele origin: germline.
Comment: This sequence change creates a premature translational stop signal (p.Ala806Aspfs*11) in the CC2D2A gene. It is expected to result in an absent or disrupted protein product. Loss-of-function variants in CC2D2A are known to be pathogenic (PMID: 19777577). This variant is not present in population databases (gnomAD no frequency). This variant has not been reported in the literature in individuals affected with CC2D2A-related conditions. For these reasons, this variant has been classified as Pathogenic.

Literature cited by the submitters: PubMed 19777577 (cited by Labcorp Genetics (formerly Invitae), Labcorp).